The following is an entry in ClinVar:

NM_013432.5(TONSL):c.2401A>T (p.Ser801Cys)

Genes: TONSL (tonsoku like, DNA repair protein; minus strand), TONSL-AS1 (TONSL antisense RNA 1; plus strand). Cytogenetic location: 8q24.3.
Variant type: single nucleotide variant.
Coding change: c.2401A>T on transcript NM_013432.5 (MANE Select); coding-DNA position 2401, A replaced by T.
Protein change: p.Ser801Cys; replaces serine 801 with cysteine.
Molecular consequence: missense variant.
Genome position (GRCh38, 1-based): chr8:144,436,032, T>A on the plus strand (A>T on the coding strand, the complement: TONSL is on the minus strand). VCF-style: chr8-144436032-T-A. GRCh37 (hg19) VCF-style: chr8-145661415-T-A.
Other names: short protein forms S801C.
Identifiers: ClinVar variation 1063791 (VCV001063791.5), dbSNP rs1469360335, ClinGen allele CA372655459.

ClinVar aggregate classification (germline): Uncertain significance (1 of 4 stars; one submission).

Allele frequency attached by ClinVar (database versions not stated): gnomAD 0.00001; gnomAD exomes 0.00001; TOPMed 0.00002.
gnomAD v4.1: 5 of 1,567,960 alleles (0.00032%); highest among the groups gnomAD compares: Non-Finnish European, 0.00043%; no homozygotes.

Submission:

Labcorp Genetics (formerly Invitae), Labcorp
Classification: Uncertain significance. Last evaluated: 2020-10-21. Review status: criteria provided, single submitter. Criteria: Invitae Variant Classification Sherloc (09022015). Collection method: clinical testing. Allele origin: germline.
Comment: In summary, the available evidence is currently insufficient to determine the role of this variant in disease. Therefore, it has been classified as a Variant of Uncertain Significance. Algorithms developed to predict the effect of missense changes on protein structure and function are either unavailable or do not agree on the potential impact of this missense change (SIFT: "Deleterious"; PolyPhen-2: "Possibly Damaging"; Align-GVGD: "Class C0"). This variant has not been reported in the literature in individuals with TONSL-related conditions. The frequency data for this variant in the population databases is considered unreliable, as metrics indicate insufficient coverage at this position in the ExAC database. This sequence change replaces serine with cysteine at codon 801 of the TONSL protein (p.Ser801Cys). The serine residue is moderately conserved and there is a moderate physicochemical difference between serine and cysteine.